The following is an entry in ClinVar:

ClinVar aggregate classification (germline): Uncertain significance (1 of 4 stars; one submission).

Conditions:
MEGF8-related Carpenter syndrome. Also called: Carpenter syndrome 2. Identifiers: Orphanet 65759, MedGen C3554247, MONDO:0013998, OMIM 614976.

gnomAD v4.1: 10 of 1,593,098 alleles (0.00063%); highest among the groups gnomAD compares: East Asian, 0.0022%; no homozygotes.

Submission:

Labcorp Genetics (formerly Invitae), Labcorp
Classification: Uncertain significance for MEGF8-related Carpenter syndrome. Last evaluated: 2025-09-28. Review status: criteria provided, single submitter. Criteria: Invitae Variant Classification Sherloc (09022015). Collection method: clinical testing. Allele origin: germline.
Comment: This sequence change replaces arginine, which is basic and polar, with glutamine, which is neutral and polar, at codon 1670 of the MEGF8 protein (p.Arg1670Gln). The frequency data for this variant in the population databases is considered unreliable, as metrics indicate poor data quality at this position in the gnomAD database. This variant has not been reported in the literature in individuals affected with MEGF8-related conditions. An algorithm developed to predict the effect of missense changes on protein structure and function (PolyPhen-2) suggests that this variant is likely to be tolerated. In summary, the available evidence is currently insufficient to determine the role of this variant in disease. Therefore, it has been classified as a Variant of Uncertain Significance.

NM_001271938.2(MEGF8):c.5210G>A (p.Arg1737Gln)

Gene: MEGF8 (multiple EGF like domains 8; plus strand). Cytogenetic location: 19q13.2.
Variant type: single nucleotide variant.
Coding change: c.5210G>A on transcript NM_001271938.2 (MANE Select); coding-DNA position 5210, G replaced by A.
Protein change: p.Arg1737Gln; replaces arginine 1737 with glutamine.
Molecular consequence: missense variant.
Genome position (GRCh38, 1-based): chr19:42,358,821, G>A. VCF-style: chr19-42358821-G-A. GRCh37 (hg19) VCF-style: chr19-42862973-G-A.
Other names: c.5009G>A, p.Arg1670Gln (NM_001410.3); short protein forms R1737Q, R1670Q.
Identifiers: ClinVar variation 4748518 (VCV004748518.1).